The following is an entry in ClinVar:

NM_001365536.1(SCN9A):c.3235T>C (p.Phe1079Leu)

Genes: SCN1A-AS1 (SCN1A and SCN9A antisense RNA 1; plus strand), SCN9A (sodium voltage-gated channel alpha subunit 9; minus strand). Cytogenetic location: 2q24.3.
Variant type: single nucleotide variant.
Coding change: c.3235T>C on transcript NM_001365536.1 (MANE Select); coding-DNA position 3235, T replaced by C.
Protein change: p.Phe1079Leu; replaces phenylalanine 1079 with leucine.
Molecular consequence: missense variant.
Genome position (GRCh38, 1-based): chr2:166,272,515, A>G on the plus strand (T>C on the coding strand, the complement: SCN9A is on the minus strand). VCF-style: chr2-166272515-A-G. GRCh37 (hg19) VCF-style: chr2-167129025-A-G.
Other names: c.3202T>C, p.Phe1068Leu (NM_002977.4); short protein forms F1079L, F1068L.
Identifiers: ClinVar variation 2941155 (VCV002941155.3), dbSNP rs1697040054, ClinGen allele CA349072962.
Genomic context (GRCh38, chr2:166,272,515, plus strand): 5'-CCAAATCGGATTCCCCAGGTGCAATTGGCACTGTCACTGTGAGGCTGGGATTGTGAATAA[A>G]TGATTGACCATCACTGTCTTCCATCAAGTGTTTGTCCACGCTGCTTCCAAAACCACTGAT-3'
Protein context (NP_001352465.1, residues 1069-1089): HLMEDSDGQS[Phe1079Leu]IHNPSLTVTV

ClinVar aggregate classification (germline): Uncertain significance (1 of 4 stars; one submission).

Conditions:
Neuropathy, hereditary sensory and autonomic, type 2A (HSAN2A). Also called: ACROOSTEOLYSIS, GIACCAI TYPE; ACROOSTEOLYSIS, NEUROGENIC; MORVAN DISEASE; NEUROPATHY, CONGENITAL SENSORY; NEUROPATHY, HEREDITARY SENSORY RADICULAR, AUTOSOMAL RECESSIVE; NEUROPATHY, HEREDITARY SENSORY, TYPE IIA. Identifiers: Orphanet 970, MedGen C2752089, MONDO:0024309, OMIM 201300.
Generalized epilepsy with febrile seizures plus, type 7 (GEFSP7). Also called: GEFS+, TYPE 7. Identifiers: Orphanet 36387, MedGen C2751778, MONDO:0013470, OMIM 613863.

Submission:

Labcorp Genetics (formerly Invitae), Labcorp
Classification: Uncertain significance for Neuropathy, hereditary sensory and autonomic, type 2A; Generalized epilepsy with febrile seizures plus, type 7. Last evaluated: 2023-05-25. Review status: criteria provided, single submitter. Criteria: Invitae Variant Classification Sherloc (09022015). Collection method: clinical testing. Allele origin: germline.
Comment: This sequence change replaces phenylalanine, which is neutral and non-polar, with leucine, which is neutral and non-polar, at codon 1068 of the SCN9A protein (p.Phe1068Leu). This variant is not present in population databases (gnomAD no frequency). This variant has not been reported in the literature in individuals affected with SCN9A-related conditions. Advanced modeling of protein sequence and biophysical properties (such as structural, functional, and spatial information, amino acid conservation, physicochemical variation, residue mobility, and thermodynamic stability) performed at Invitae indicates that this missense variant is not expected to disrupt SCN9A protein function. In summary, the available evidence is currently insufficient to determine the role of this variant in disease. Therefore, it has been classified as a Variant of Uncertain Significance.